The following is an entry in ClinVar:

NM_001374736.1(DST):c.19337C>T (p.Pro6446Leu)

Gene: DST (dystonin; minus strand). Cytogenetic location: 6p12.1.
Variant type: single nucleotide variant.
Coding change: c.19337C>T on transcript NM_001374736.1 (MANE Select); coding-DNA position 19337, C replaced by T.
Protein change: p.Pro6446Leu; replaces proline 6446 with leucine.
Molecular consequence: missense variant.
Genome position (GRCh38, 1-based): chr6:56,506,692, G>A on the plus strand (C>T on the coding strand, the complement: DST is on the minus strand). VCF-style: chr6-56506692-G-A. GRCh37 (hg19) VCF-style: chr6-56371490-G-A.
Other names: c.19337C>T, p.Pro6446Leu (NM_001374722.1); c.18377C>T, p.Pro6126Leu (NM_001374729.1); c.12119C>T, p.Pro4040Leu (NM_001374730.1); c.19364C>T, p.Pro6455Leu (NM_001374734.1); c.12446C>T, p.Pro4149Leu (NM_001386100.1, NM_183380.4); c.11468C>T, p.Pro3823Leu (NM_015548.5); c.12980C>T, p.Pro4327Leu (NM_001144769.5); c.12566C>T, p.Pro4189Leu (NM_001144770.2); short protein forms P4149L, P4189L, P3823L, P4040L, P4327L, P6126L, P6446L, P6455L.
Identifiers: ClinVar variation 1473216 (VCV001473216.5), dbSNP rs946021219, ClinGen allele CA139195174.

ClinVar aggregate classification (germline): Uncertain significance (1 of 4 stars; one submission).

Conditions:
Hereditary sensory and autonomic neuropathy type 6. Also called: HSAN VI; Neuropathy, hereditary sensory and autonomic, type VI. Identifiers: Orphanet 314381, MedGen C3539003, MONDO:0013839, OMIM 614653.
Epidermolysis bullosa simplex 3, localized or generalized intermediate, with BP230 deficiency (EBS3). Also called: Epidermolysis bullosa simplex, autosomal recessive 2; Epidermolysis bullosa simplex due to BP230 deficiency. Identifiers: Orphanet 412181, MedGen C3809470, MONDO:0014180, OMIM 615425.

Allele frequency attached by ClinVar (database versions not stated): TOPMed 0.00001.
gnomAD v4.1: 2 of 1,613,492 alleles (0.00012%); highest among the groups gnomAD compares: African/African-American, 0.0027%; no homozygotes.

Submission:

Labcorp Genetics (formerly Invitae), Labcorp
Classification: Uncertain significance for Epidermolysis bullosa simplex 3, localized or generalized intermediate, with BP230 deficiency; Hereditary sensory and autonomic neuropathy type 6. Last evaluated: 2021-05-07. Review status: criteria provided, single submitter. Criteria: Invitae Variant Classification Sherloc (09022015). Collection method: clinical testing. Allele origin: germline.
Comment: In summary, the available evidence is currently insufficient to determine the role of this variant in disease. Therefore, it has been classified as a Variant of Uncertain Significance. This sequence change replaces proline with leucine at codon 3823 of the DST protein (p.Pro3823Leu). The DST gene has multiple clinically relevant transcripts. This variant occurs in alternate transcript NM_015548.4, and corresponds to NM_001723.5:c.*108825C>T in the primary transcript. This variant is not present in population databases (ExAC no frequency). This variant has not been reported in the literature in individuals with DST-related conditions. Experimental studies and prediction algorithms are not available or were not evaluated, and the functional significance of this variant is currently unknown.